The following is an entry in ClinVar:

ClinVar aggregate classification (germline): Uncertain significance (1 of 4 stars; one submission).

Conditions:
ATP11A-related disorder. Also called: ATP11A-related condition.

gnomAD v4.1: 14 of 1,614,086 alleles (0.00087%); highest among the groups gnomAD compares: African/African-American, 0.016%; no homozygotes.

Submission:

PreventionGenetics, part of Exact Sciences
Classification: Uncertain significance for ATP11A-related condition. Last evaluated: 2025-12-31. Review status: criteria provided, single submitter. Criteria: ACMG Guidelines, 2015. Collection method: clinical testing. Allele origin: germline.
Comment: The ATP11A c.2031G>C variant is predicted to result in the amino acid substitution p.Gln677His. To our knowledge, this variant has not been reported in the literature. This variant is reported in 0.0062% of alleles in individuals of African descent in gnomAD. At this time, the clinical significance of this variant is uncertain due to the absence of conclusive functional and genetic evidence.

NM_015205.3(ATP11A):c.2031G>C (p.Gln677His)

Gene: ATP11A (ATPase phospholipid transporting 11A; plus strand). Cytogenetic location: 13q34.
Variant type: single nucleotide variant.
Coding change: c.2031G>C on transcript NM_015205.3 (MANE Select); coding-DNA position 2031, G replaced by C.
Protein change: p.Gln677His; replaces glutamine 677 with histidine.
Molecular consequence: missense variant.
Genome position (GRCh38, 1-based): chr13:112,854,318, G>C. VCF-style: chr13-112854318-G-C. GRCh37 (hg19) VCF-style: chr13-113508632-G-C.
Other names: c.2031G>C, p.Gln677His (NM_001405661.1, NM_001405662.1, NM_001405663.1 and 1 more transcripts); short protein forms Q677H.
Identifiers: ClinVar variation 4981405 (VCV004981405.1).